The following is an entry in ClinVar:

NM_000540.3(RYR1):c.3992A>G (p.Tyr1331Cys)

Gene: RYR1 (ryanodine receptor 1; plus strand). Cytogenetic location: 19q13.2.
Variant type: single nucleotide variant.
Coding change: c.3992A>G on transcript NM_000540.3 (MANE Select); coding-DNA position 3992, A replaced by G.
Protein change: p.Tyr1331Cys; replaces tyrosine 1331 with cysteine.
Molecular consequence: missense variant.
Genome position (GRCh38, 1-based): chr19:38,473,603, A>G. VCF-style: chr19-38473603-A-G. GRCh37 (hg19) VCF-style: chr19-38964243-A-G.
Other names: c.3992A>G, p.Tyr1331Cys (NM_001042723.2); short protein forms Y1331C.
Identifiers: ClinVar variation 2418790 (VCV002418790.6), dbSNP rs2514147853, ClinGen allele CA405642488.

ClinVar aggregate classification (germline): Uncertain significance (1 of 4 stars; one submission).

Conditions:
RYR1-related disorder. Also called: RYR1-related condition; RYR1-related disorders. Identifiers: MedGen CN239331.

Submission:

Labcorp Genetics (formerly Invitae), Labcorp
Classification: Uncertain significance for RYR1-related disorder. Last evaluated: 2023-01-23. Review status: criteria provided, single submitter. Criteria: Invitae Variant Classification Sherloc (09022015). Collection method: clinical testing. Allele origin: germline.
Comment: In summary, the available evidence is currently insufficient to determine the role of this variant in disease. Therefore, it has been classified as a Variant of Uncertain Significance. Advanced modeling of protein sequence and biophysical properties (such as structural, functional, and spatial information, amino acid conservation, physicochemical variation, residue mobility, and thermodynamic stability) has been performed at Invitae for this missense variant, however the output from this modeling did not meet the statistical confidence thresholds required to predict the impact of this variant on RYR1 protein function. This missense change has been observed in individual(s) with congenital fiber type disproportion (Invitae). In at least one individual the data is consistent with being in trans (on the opposite chromosome) from a pathogenic variant. This variant is not present in population databases (gnomAD no frequency). This sequence change replaces tyrosine, which is neutral and polar, with cysteine, which is neutral and slightly polar, at codon 1331 of the RYR1 protein (p.Tyr1331Cys).